The following is an entry in ClinVar:

NM_001267550.2(TTN):c.28754A>C (p.Glu9585Ala)

Gene: TTN (titin; minus strand). Cytogenetic location: 2q31.2.
Variant type: single nucleotide variant.
Coding change: c.28754A>C on transcript NM_001267550.2 (MANE Select); coding-DNA position 28754, A replaced by C.
Protein change: p.Glu9585Ala; replaces glutamic acid 9585 with alanine.
Molecular consequence: missense variant. On other transcripts: intron variant (3).
Genome position (GRCh38, 1-based): chr2:178,707,813, T>G on the plus strand (A>C on the coding strand, the complement: TTN is on the minus strand). VCF-style: chr2-178707813-T-G. GRCh37 (hg19) VCF-style: chr2-179572540-T-G.
Other names: c.25022A>C, p.Glu8341Ala (NM_133378.4); c.27803A>C, p.Glu9268Ala (NM_001256850.1); c.13282+30269A>C (NM_003319.4); c.13858+30269A>C (NM_133437.4); c.13657+30269A>C (NM_133432.3); short protein forms E9585A, E8341A, E9268A.
Identifiers: ClinVar variation 46813 (VCV000046813.6), dbSNP rs200856239, ClinGen allele CA139262.

ClinVar aggregate classification (germline): Uncertain significance. Review status: criteria provided, multiple submitters, no conflicts (2 of 4 stars). 2 submissions from 2 submitters: Uncertain significance (2). Last evaluated 2026-05-01.

Conditions:
TTN-related disorder. Also called: TTN-related condition; TTN-related disease; TTN-related disorders.

Allele frequency attached by ClinVar (database versions not stated): TOPMed 0.00005.
gnomAD v4.1: 13 of 1,575,204 alleles (0.00083%); highest among the groups gnomAD compares: African/African-American, 0.018%; no homozygotes.

Submissions (2):

PreventionGenetics, part of Exact Sciences
Classification: Uncertain significance for TTN-related condition. Last evaluated: 2026-05-01. Review status: criteria provided, single submitter. Criteria: ACMG Guidelines, 2015. Collection method: clinical testing. Allele origin: germline.
Comment: The TTN c.28754A>C variant is predicted to result in the amino acid substitution p.Glu9585Ala. This variant has been reported in an individual with dilated cardiomyopathy (reported as c.25022A>C, p.Glu8341Ala in transcript NM_133378.4 in Table S1, Pugh et al. 2014. PubMed ID: 24503780). This variant is reported in 0.013% of alleles in individuals of African descent in gnomAD. At this time, the clinical significance of this variant is uncertain due to the absence of conclusive functional and genetic evidence.

Laboratory for Molecular Medicine, Mass General Brigham Personalized Medicine
Classification: Uncertain significance. Last evaluated: 2012-09-14. Review status: criteria provided, single submitter. Criteria: LMM Criteria. Collection method: clinical testing. Allele origin: germline. Observed: 1 variant allele.
Comment: The Glu8341Ala variant in TTN has not been reported in the literature nor previo usly identified by our laboratory. This variant has been identified in 1/3678 Af rican American chromosomes from a broad population by the NHLBI Exome Sequencing Project (dbSNP rs200856239), though this cou ld represent a presymptomatic individual. Computational analyses (biochemical am ino acid properties, conservation, AlignGVGD, PolyPhen2, and SIFT) do not provid e strong support for or against an impact to the protein though it should be not ed that the variant amino acid (alanine, Ala) is present in one species (zebrafi sh). This variant is located in the first base of the exon, which is part of the 3? splice region. Computational tools do not suggest an impact to splicing, tho ugh this information is not predictive enough to rule out pathogenicity. Additio nal information is needed to fully assess the clinical significance of this vari ant.